The following is an entry in ClinVar:

NM_005085.4(NUP214):c.6239C>T (p.Ser2080Leu)

Gene: NUP214 (nucleoporin 214; plus strand). Cytogenetic location: 9q34.13.
Variant type: single nucleotide variant.
Coding change: c.6239C>T on transcript NM_005085.4 (MANE Select); coding-DNA position 6239, C replaced by T.
Protein change: p.Ser2080Leu; replaces serine 2080 with leucine.
Molecular consequence: missense variant.
Genome position (GRCh38, 1-based): chr9:131,232,308, C>T. VCF-style: chr9-131232308-C-T. GRCh37 (hg19) VCF-style: chr9-134107695-C-T.
Other names: c.6209C>T, p.Ser2070Leu (NM_001318324.2); c.2717C>T, p.Ser906Leu (NM_001318325.2); short protein forms S2070L, S2080L, S906L.
Identifiers: ClinVar variation 1318754 (VCV001318754.2), dbSNP rs751906119, ClinGen allele CA5290439.
Genomic context (GRCh38, chr9:131,232,308, plus strand): 5'-TGCGTGCTTTAACTTCACTCTTATTCTGCTTTTCAGGGTTCAGCTTTGGGTCAAATAACT[C>T]GTAAGTATCCCCCTTTTTGAGTCTCACCTTAATTAAAAGCATTAAATAAGGTTGGAAGTG-3'
Protein context (NP_005076.3, residues 2070-2090): TGGFSFGSNN[Ser2080Leu]SVQGFGGWRS

ClinVar aggregate classification (germline): Uncertain significance (1 of 4 stars; one submission).

Allele frequency attached by ClinVar (database versions not stated): TOPMed below 0.00001; gnomAD exomes 0.00001.
gnomAD v4.1: 16 of 1,613,860 alleles (0.00099%); highest among the groups gnomAD compares: South Asian, 0.011%; 1 homozygote.

Submission:

GeneDx
Classification: Uncertain significance. Last evaluated: 2019-10-22. Review status: criteria provided, single submitter. Criteria: GeneDx Variant Classification Process June 2021. Collection method: clinical testing. Allele origin: germline. Affected: yes.
Comment: In silico analysis, which includes protein predictors and evolutionary conservation, supports a deleterious effect; Has not been previously published as pathogenic or benign to our knowledge